The following is an entry in ClinVar:

NM_000179.3(MSH6):c.261-1G>C

Gene: MSH6 (mutS homolog 6; plus strand). Cytogenetic location: 2p16.3.
Variant type: single nucleotide variant.
Coding change: c.261-1G>C on transcript NM_000179.3 (MANE Select); the canonical splice acceptor site of the intron before coding-DNA position 261, G replaced by C.
Molecular consequence: splice acceptor variant. On other transcripts: 5 prime UTR variant (1), intron variant (5).
Genome position (GRCh38, 1-based): chr2:47,790,926, G>C. VCF-style: chr2-47790926-G-C. GRCh37 (hg19) VCF-style: chr2-48018065-G-C.
Other names: c.-38G>C (NM_001406830.1); c.261-1G>C (NM_001406809.1, NM_001406796.1, NM_001406813.1 and 6 more transcripts); c.-476-1G>C (NM_001406811.1, NM_001281493.2, NM_001406829.1 and 1 more transcripts); c.-37-1G>C (NM_001406805.1, NM_001406797.1, NM_001406801.1 and 9 more transcripts); c.357-1G>C (NM_001406795.1, NM_001406802.1); c.-668-1G>C (NM_001406807.1); c.-734-1G>C (NM_001406814.1); c.-323-1G>C (NM_001406812.1); and 7 more.
Identifiers: ClinVar variation 218055 (VCV000218055.30), dbSNP rs863225402, ClinGen allele CA279746.

ClinVar aggregate classification (germline): Pathogenic/Likely pathogenic. Review status: criteria provided, multiple submitters, no conflicts (2 of 4 stars). 7 submissions from 7 submitters: Pathogenic (1); Likely pathogenic (5). 1 of the submissions does not count toward it. Last evaluated 2025-10-29.

Conditions:
Hereditary nonpolyposis colon cancer (HNPCC). Also called: Hereditary Nonpolyposis Colorectal Cancer Syndrome; Hereditary nonpolyposis colorectal cancer; Familial nonpolyposis colon cancer. Identifiers: Orphanet 443909, MedGen C1333990, MONDO:0018630. Disease mechanism: loss of function.
Hereditary nonpolyposis colorectal neoplasms. Identifiers: MedGen C0009405, MeSH D003123.
Hereditary cancer-predisposing syndrome. Also called: Hereditary Cancer Syndrome; Hereditary neoplastic syndrome; Neoplastic Syndromes, Hereditary; Tumor predisposition. Identifiers: Orphanet 140162, MedGen C0027672, MeSH D009386, MONDO:0015356.
Lynch syndrome 5 (LYNCH5). Also called: Hereditary non-polyposis colorectal cancer, type 5; Colorectal cancer, hereditary nonpolyposis, type 5. Identifiers: Orphanet 144, MedGen C1833477, MONDO:0013710, OMIM 614350. Disease mechanism: loss of function.

Allele frequency attached by ClinVar (database versions not stated): gnomAD exomes below 0.00001; TOPMed below 0.00001; gnomAD 0.00001.
gnomAD v4.1: 2 of 1,614,090 alleles (0.00012%); highest among the groups gnomAD compares: Non-Finnish European, 0.00017%; no homozygotes.

Submissions (7):

Ambry Genetics
Classification: Likely pathogenic for Hereditary cancer-predisposing syndrome. Last evaluated: 2025-10-29. Review status: criteria provided, single submitter. Criteria: Ambry Variant Classification Scheme 2023. Collection method: clinical testing. Allele origin: germline.
Comment: The c.261-1G>C intronic variant results from a G to C substitution one nucleotide upstream from coding exon 2 of the MSH6 gene. This nucleotide position is well conserved in available vertebrate species. This variant is considered to be rare based on population cohorts in the Genome Aggregation Database (gnomAD). In silico splice site analysis predicts that this alteration will weaken the native splice acceptor site and will result in the creation or strengthening of a novel splice acceptor site. RNA studies have demonstrated that this alteration results in abnormal splicing in the set of samples tested (Ambry internal data). Alterations that disrupt the canonical splice site are expected to cause aberrant splicing, resulting in an abnormal protein or a transcript that is subject to nonsense-mediated mRNA decay. As such, this alteration is classified as likely pathogenic.

Labcorp Genetics (formerly Invitae), Labcorp
Classification: Pathogenic for Hereditary nonpolyposis colorectal neoplasms. Last evaluated: 2025-10-18. Review status: criteria provided, single submitter. Criteria: Invitae Variant Classification Sherloc (09022015). Collection method: clinical testing. Allele origin: germline.
Comment: This sequence change affects an acceptor splice site in intron 1 of the MSH6 gene. It is expected to disrupt RNA splicing. Variants that disrupt the donor or acceptor splice site typically lead to a loss of protein function (PMID: 16199547), and loss-of-function variants in MSH6 are known to be pathogenic (PMID: 18269114, 24362816). This variant is not present in population databases (gnomAD no frequency). Disruption of this splice site has been observed in individual(s) with Lynch syndrome associated tumors (internal data). It has also been observed to segregate with disease in related individuals. Invitae Evidence Modeling of clinical and family history, age, sex, and reported ancestry of multiple individuals with this MSH6 variant has been performed. This variant is expected to be pathogenic with a positive predictive value of at least 99%. This is a validated machine learning model that incorporates the clinical features of 1,627,235 individuals referred to our laboratory for MSH6 testing. ClinVar contains an entry for this variant (Variation ID: 218055). Algorithms developed to predict the effect of sequence changes on RNA splicing suggest that this variant may disrupt the consensus splice site. For these reasons, this variant has been classified as Pathogenic.

Myriad Genetics, Inc.
Classification: Likely pathogenic for Lynch syndrome 5. Last evaluated: 2023-08-10. Review status: criteria provided, single submitter. Criteria: Myriad Autosomal Dominant, Autosomal Recessive and X-Linked Classification Criteria (2023). Collection method: clinical testing. Allele origin: unknown.
Comment: This variant is considered likely pathogenic. This variant occurs within a consensus splice junction and is predicted to result in abnormal mRNA splicing of either an out-of-frame exon or an in-frame exon necessary for protein stability and/or normal function.

Color Diagnostics, LLC DBA Color Health
Classification: Likely pathogenic for Hereditary cancer-predisposing syndrome. Last evaluated: 2023-04-03. Review status: criteria provided, single submitter. Criteria: ACMG Guidelines, 2015. Collection method: clinical testing. Allele origin: germline.
Comment: This variant causes a G to C nucleotide substitution at the -1 position of intron 1 of the MSH6 gene. Splice site prediction tools predict that this variant may have a significant impact on RNA splicing. To our knowledge, RNA studies have not been reported for this variant. This variant has not been reported in individuals affected with Lynch Syndrome in the literature, however has been reported in individuals with Lynch Syndrome in ClinVar (Variation ID: 218055). The variant has also been observed in an individual with pancreatic cancer (PMID: 33747920). This variant has not been identified in the general population by the Genome Aggregation Database (gnomAD). Loss of MSH6 function is a known mechanism of disease. Based on the available evidence, this variant is classified as Likely Pathogenic.

Women's Health and Genetics/Laboratory Corporation of America, LabCorp
Classification: Likely pathogenic for Hereditary nonpolyposis colon cancer. Last evaluated: 2023-01-03. Review status: criteria provided, single submitter. Criteria: LabCorp Variant Classification Summary - May 2015. Collection method: clinical testing. Allele origin: germline.
Comment: Variant summary: MSH6 c.261-1G>C is located in a canonical splice-site and is predicted to affect mRNA splicing resulting in a significantly altered protein due to either exon skipping, shortening, or inclusion of intronic material. Several computational tools predict a significant impact on normal splicing: Three predict the variant abolishes a 3' acceptor site. Two predict the variant strengthens a cryptic 3' acceptor site. However, these predictions have yet to be confirmed by functional studies. The variant was absent in 251470 control chromosomes. c.261-1G>C has been reported in the literature in individuals affected with Endometrial Cancer (Long_2019), Breast Cancer (Tung_2015) and Prostate Cancer (Zimmerman_2021). These data indicate that the variant may be associated with Lynch Syndrome. To our knowledge, no experimental evidence demonstrating an impact on protein function has been reported. Two clinical diagnostic laboratories have submitted clinical-significance assessments for this variant to ClinVar after 2014 without evidence for independent evaluation. All laboratories classified the variant as pathogenic (n=1) and likely pathogenic (n=1). Based on the evidence outlined above, the variant was classified as likely pathogenic.

Revvity Omics, Revvity
Classification: Likely pathogenic. Last evaluated: 2022-12-08. Review status: criteria provided, single submitter. Criteria: ACMG Guidelines, 2015. Collection method: clinical testing. Allele origin: germline.

Mayo Clinic Laboratories, Mayo Clinic
Classification: Pathogenic. Review status: no assertion criteria provided. Collection method: clinical testing. Allele origin: unknown. Not counted in ClinVar's aggregate classification.

Literature cited by the submitters: PubMed 16199547 (cited by Labcorp Genetics (formerly Invitae), Labcorp); PubMed 18269114 (cited by Labcorp Genetics (formerly Invitae), Labcorp); PubMed 24362816 (cited by Labcorp Genetics (formerly Invitae), Labcorp); PubMed 33747920 (cited by Color Diagnostics, LLC DBA Color Health and Women's Health and Genetics/Laboratory Corporation of America, LabCorp); PubMed 25186627 (cited by Women's Health and Genetics/Laboratory Corporation of America, LabCorp); PubMed 30612635 (cited by Women's Health and Genetics/Laboratory Corporation of America, LabCorp).